The following is an entry in ClinVar:

ClinVar aggregate classification (germline): Uncertain significance. Review status: criteria provided, multiple submitters, no conflicts (2 of 4 stars). 2 submissions from 2 submitters: Uncertain significance (2). Last evaluated 2025-03-04.

Conditions:
Dyskeratosis congenita, autosomal dominant 6 (DKCA6). Identifiers: Orphanet 3322, MedGen C4225284, MONDO:0014690, OMIM 616553.

Allele frequency attached by ClinVar (database versions not stated): TOPMed below 0.00001; gnomAD 0.00001; ExAC 0.00012.
gnomAD v4.1: 51 of 1,613,410 alleles (0.0032%); highest among the groups gnomAD compares: Non-Finnish European, 0.0037%; no homozygotes.

Submissions (2):

Center for Genomic Medicine, Rigshospitalet, Copenhagen University Hospital
Classification: Uncertain significance. Last evaluated: 2025-03-04. Review status: criteria provided, single submitter. Criteria: ACMG Guidelines, 2015. Collection method: clinical testing. Allele origin: germline.

Labcorp Genetics (formerly Invitae), Labcorp
Classification: Uncertain significance for Dyskeratosis congenita, autosomal dominant 6. Last evaluated: 2023-04-28. Review status: criteria provided, single submitter. Criteria: Invitae Variant Classification Sherloc (09022015). Collection method: clinical testing. Allele origin: germline.
Comment: This variant is present in population databases (rs774178147, gnomAD 0.01%). This sequence change affects a donor splice site in intron 7 of the ACD gene. It is expected to disrupt RNA splicing. Variants that disrupt the donor or acceptor splice site typically lead to a loss of protein function (PMID: 16199547), however the current clinical and genetic evidence is not sufficient to establish whether loss-of-function variants in ACD cause disease. This variant has not been reported in the literature in individuals affected with ACD-related conditions. In summary, the available evidence is currently insufficient to determine the role of this variant in disease. Therefore, it has been classified as a Variant of Uncertain Significance. Algorithms developed to predict the effect of sequence changes on RNA splicing suggest that this variant may disrupt the consensus splice site. ClinVar contains an entry for this variant (Variation ID: 1802891).

Literature cited by the submitters: PubMed 16199547 (cited by Labcorp Genetics (formerly Invitae), Labcorp).

NM_001082486.2(ACD):c.645+2T>C

Gene: ACD (ACD shelterin complex subunit and telomerase recruitment factor; minus strand). Cytogenetic location: 16q22.1.
Variant type: single nucleotide variant.
Coding change: c.645+2T>C on transcript NM_001082486.2 (MANE Select); the canonical splice donor site of the intron after coding-DNA position 645, T replaced by C.
Molecular consequence: splice donor variant.
Genome position (GRCh38, 1-based): chr16:67,658,926, A>G on the plus strand (T>C on the coding strand, the complement: ACD is on the minus strand). VCF-style: chr16-67658926-A-G. GRCh37 (hg19) VCF-style: chr16-67692829-A-G.
Other names: c.636+2T>C (NM_022914.3); c.645+2T>C (NM_001410884.1).
Identifiers: ClinVar variation 1802891 (VCV001802891.8), dbSNP rs774178147, ClinGen allele CA8114601.